The following is an entry in ClinVar:

ClinVar aggregate classification (germline): Uncertain significance (1 of 4 stars; one submission).

Conditions:
Autosomal dominant nonsyndromic hearing loss 65. Also called: Deafness, autosomal dominant 65; TBC1D24-Related Autosomal Dominant Nonsyndromic Hearing Loss (DFNA). Identifiers: Orphanet 90635, MedGen C3892048, MONDO:0014470, OMIM 616044.
Developmental and epileptic encephalopathy, 1 (DEE1). Also called: INFANTILE SPASM SYNDROME, X-LINKED 1; X-linked infantile spasms; West's syndrome; Tonic spasms with clustering, arrest of psychomotor development and hypsarrhythmia on EEG; X-Linked Infantile Spasm Syndrome; OHTAHARA SYNDROME, X-LINKED. Identifiers: MedGen C3463992, MONDO:0010632, OMIM 308350. Disease mechanism: loss of function.

Submission:

Labcorp Genetics (formerly Invitae), Labcorp
Classification: Uncertain significance for Developmental and epileptic encephalopathy, 1; Autosomal dominant nonsyndromic hearing loss 65. Last evaluated: 2025-05-12. Review status: criteria provided, single submitter. Criteria: Invitae Variant Classification Sherloc (09022015). Collection method: clinical testing. Allele origin: germline.
Comment: This sequence change replaces isoleucine, which is neutral and non-polar, with threonine, which is neutral and polar, at codon 344 of the TBC1D24 protein (p.Ile344Thr). This variant is not present in population databases (gnomAD no frequency). This variant has not been reported in the literature in individuals affected with TBC1D24-related conditions. Invitae Evidence Modeling of protein sequence and biophysical properties (such as structural, functional, and spatial information, amino acid conservation, physicochemical variation, residue mobility, and thermodynamic stability) has been performed for this missense variant. However, the output from this modeling did not meet the statistical confidence thresholds required to predict the impact of this variant on TBC1D24 protein function. In summary, the available evidence is currently insufficient to determine the role of this variant in disease. Therefore, it has been classified as a Variant of Uncertain Significance.

NM_001199107.2(TBC1D24):c.1031T>C (p.Ile344Thr)

Gene: TBC1D24 (TBC1 domain family member 24; plus strand). Cytogenetic location: 16p13.3.
Variant type: single nucleotide variant.
Coding change: c.1031T>C on transcript NM_001199107.2 (MANE Select); coding-DNA position 1031, T replaced by C.
Protein change: p.Ile344Thr; replaces isoleucine 344 with threonine.
Molecular consequence: missense variant.
Genome position (GRCh38, 1-based): chr16:2,498,285, T>C. VCF-style: chr16-2498285-T-C. GRCh37 (hg19) VCF-style: chr16-2548286-T-C.
Other names: c.1013T>C, p.Ile338Thr (NM_020705.3); short protein forms I338T, I344T.
Identifiers: ClinVar variation 4812331 (VCV004812331.1).